The following is an entry in ClinVar:

NM_001036.6(RYR3):c.5829G>C (p.Glu1943Asp)

Gene: RYR3 (ryanodine receptor 3; plus strand). Cytogenetic location: 15q14.
Variant type: single nucleotide variant.
Coding change: c.5829G>C on transcript NM_001036.6 (MANE Select); coding-DNA position 5829, G replaced by C.
Protein change: p.Glu1943Asp; replaces glutamic acid 1943 with aspartic acid.
Molecular consequence: missense variant.
Genome position (GRCh38, 1-based): chr15:33,670,525, G>C. VCF-style: chr15-33670525-G-C. GRCh37 (hg19) VCF-style: chr15-33962726-G-C.
Other names: c.5829G>C, p.Glu1943Asp (NM_001243996.4); short protein forms E1943D.
Identifiers: ClinVar variation 938966 (VCV000938966.9), dbSNP rs767187763, ClinGen allele CA7459354.
Genomic context (GRCh38, chr15:33,670,525, plus strand): 5'-GACAGGAAAACTCTGTGCCTTGGTTTACAAAATCAAAGGCCCACCCAAGCCAGAGAAGGA[G>C]CAGCCGACGGAGGAGGAGGAGAGATGCCCCAGTAAGTGACATTGCCTTTAAATGACAGTG-3'
Protein context (NP_001027.3, residues 1933-1953): KIKGPPKPEK[Glu1943Asp]QPTEEEERCP

ClinVar aggregate classification (germline): Uncertain significance (1 of 4 stars; one submission).

Conditions:
Epileptic encephalopathy. Identifiers: MedGen C0543888, HP:0200134.

Allele frequency attached by ClinVar (database versions not stated): gnomAD 0.00001; ExAC 0.00002; gnomAD exomes 0.00002 and 0.00003; TOPMed 0.00002.
gnomAD v4.1: 41 of 1,599,108 alleles (0.0026%); highest among the groups gnomAD compares: Admixed American, 0.0036%; no homozygotes.

Submission:

Labcorp Genetics (formerly Invitae), Labcorp
Classification: Uncertain significance for Epileptic encephalopathy. Last evaluated: 2019-07-09. Review status: criteria provided, single submitter. Criteria: Invitae Variant Classification Sherloc (09022015). Collection method: clinical testing. Allele origin: germline.
Comment: This sequence change replaces glutamic acid with aspartic acid at codon 1943 of the RYR3 protein (p.Glu1943Asp). The glutamic acid residue is moderately conserved and there is a small physicochemical difference between glutamic acid and aspartic acid. This variant is present in population databases (rs767187763, ExAC 0.003%). This variant has not been reported in the literature in individuals with RYR3-related conditions. Algorithms developed to predict the effect of missense changes on protein structure and function (SIFT, PolyPhen-2, Align-GVGD) all suggest that this variant is likely to be tolerated, but these predictions have not been confirmed by published functional studies and their clinical significance is uncertain. In summary, the available evidence is currently insufficient to determine the role of this variant in disease. Therefore, it has been classified as a Variant of Uncertain Significance.